The following is an entry in ClinVar:

ClinVar aggregate classification (germline): Likely pathogenic (1 of 4 stars; one submission).

Conditions:
Familial cancer of breast. Also called: hereditary breast carcinoma; BREAST CANCER, FAMILIAL; Hereditary breast cancer. Identifiers: Orphanet 227535, MedGen C0346153, MONDO:0016419, OMIM 114480. Disease mechanism: loss of function.

Submission:

Labcorp Genetics (formerly Invitae), Labcorp
Classification: Likely pathogenic for Familial cancer of breast. Last evaluated: 2020-08-14. Review status: criteria provided, single submitter. Criteria: Invitae Variant Classification Sherloc (09022015). Collection method: clinical testing. Allele origin: germline.
Comment: In summary, the currently available evidence indicates that the variant is pathogenic, but additional data are needed to prove that conclusively. Therefore, this variant has been classified as Likely Pathogenic. This variant disrupts domain 4 of the CHEK2 protein, which is critical for nuclear cellular localization (PMID: 18004398, 12909615). While functional studies have not been performed to directly test the effect of this variant on CHEK2 protein function, this suggests that disruption of this region of the protein is causative of disease. This sequence change results in a premature translational stop signal in the CHEK2 gene (p.Leu512*). While this is not anticipated to result in nonsense mediated decay, it is expected to disrupt the last 32 amino acids of the CHEK2 protein. This variant is not present in population databases (ExAC no frequency). This variant has not been reported in the literature in individuals with CHEK2-related conditions.

Literature cited by the submitters: PubMed 18004398; PubMed 12909615.

NM_007194.4(CHEK2):c.1533del (p.Val511_Leu512insTer)

Gene: CHEK2 (checkpoint kinase 2; minus strand). Cytogenetic location: 22q12.1.
Variant type: Deletion.
Coding change: c.1533del on transcript NM_007194.4 (MANE Select); coding-DNA position 1533, one base deleted (T; older notation c.1533delT).
Protein change: p.Val511_Leu512insTer.
Molecular consequence: frameshift variant. On other transcripts: nonsense (4).
Genome position (GRCh38, 1-based): chr22:28,689,144, A deleted on the plus strand (T on the coding strand, the reverse complement: CHEK2 is on the minus strand); the first of 2 consecutive A bases (chr22:28,689,144-28,689,145); deleting either gives the same sequence. VCF-style (leftmost placement, unchanged base first): chr22-28689143-GA-G. GRCh37 (hg19) VCF-style: chr22-29085131-GA-G.
Other names: c.1661delT, p.Leu555Terfs (NM_001005735.3); c.869delT, p.Leu291Terfs (NM_001257387.3); c.1331delT, p.Leu445Terfs (NM_001349956.3); c.1445delT, p.Leu483Terfs (NM_145862.3).
Identifiers: ClinVar variation 1068278 (VCV001068278.8), dbSNP rs2145748275, ClinGen allele CA2499226046.